The following is an entry in ClinVar:

NM_001377137.1(GBF1):c.1973G>A (p.Gly658Glu)

Gene: GBF1 (golgi brefeldin A resistant guanine nucleotide exchange factor 1; plus strand). Cytogenetic location: 10q24.32.
Variant type: single nucleotide variant.
Coding change: c.1973G>A on transcript NM_001377137.1 (MANE Select); coding-DNA position 1973, G replaced by A.
Protein change: p.Gly658Glu; replaces glycine 658 with glutamic acid.
Molecular consequence: missense variant. On other transcripts: non-coding transcript variant (4), intron variant (1).
Genome position (GRCh38, 1-based): chr10:102,363,352, G>A. VCF-style: chr10-102363352-G-A. GRCh37 (hg19) VCF-style: chr10-104123109-G-A.
Other names: p.Gly657Glu; c.1973G>A, p.Gly658Glu (NM_001199378.2, NM_001391923.1); c.1970G>A, p.Gly657Glu (NM_001199379.2, NM_001377141.1, NM_001391924.1 and 4 more transcripts); c.1934G>A, p.Gly645Glu (NM_001377138.1, NM_001391925.1); c.1676G>A, p.Gly559Glu (NM_001377139.1, NM_001377140.1); c.2069G>A, p.Gly690Glu (NM_001391922.1, NM_001411027.1); c.1937G>A, p.Gly646Glu (NM_001391926.1); c.1592G>A, p.Gly531Glu (NM_001391931.1); and 2 more; short protein forms G531E, G559E, G645E, G646E, G657E, G658E, G682E, G690E.
Identifiers: ClinVar variation 3379991 (VCV003379991.8).
Genomic context (GRCh38, chr10:102,363,352, plus strand): 5'-TGGCCTCAGACATCCCAGGCCTGCATCTGCCAGGTGGAGGGCGGCTGCCACCAGAACATG[G>A]GAAATCAGGATGCAGTGATCTGGAGGAAGCTGTTGACTCTGGGGGTGGGTACTGGGTGTC-3'
Protein context (NP_001364066.1, residues 648-668): PGGGRLPPEH[Gly658Glu]KSGCSDLEEA

ClinVar aggregate classification (germline): Conflicting classifications of pathogenicity. Review status: criteria provided, conflicting classifications (1 of 4 stars). 2 submissions from 2 submitters: Uncertain significance (1); Likely benign (1). Last evaluated 2025-04-01.

gnomAD v4.1: 30 of 1,614,002 alleles (0.0019%); highest among the groups gnomAD compares: Non-Finnish European, 0.0025%; no homozygotes.

Submissions (2):

CeGaT Center for Human Genetics Tuebingen
Classification: Likely benign. Last evaluated: 2025-04-01. Review status: criteria provided, single submitter. Criteria: CeGaT Center For Human Genetics Tuebingen Variant Classification Criteria Version 2. Collection method: clinical testing. Allele origin: germline. Affected: yes. Observed: 1 variant allele.
Comment: GBF1: BP4

Mayo Clinic Laboratories, Mayo Clinic
Classification: Uncertain significance. Last evaluated: 2024-09-09. Review status: criteria provided, single submitter. Criteria: ACMG Guidelines, 2015. Collection method: clinical testing. Allele origin: germline. Observed: 1 variant allele.
Comment: BP4